The following is an entry in ClinVar:

ClinVar aggregate classification (germline): Uncertain significance (1 of 4 stars; one submission).

Allele frequency attached by ClinVar (database versions not stated): gnomAD exomes below 0.00001.
gnomAD v4.1: 2 of 1,610,160 alleles (0.00012%); highest among the groups gnomAD compares: South Asian, 0.0011%; no homozygotes.

Submission:

Labcorp Genetics (formerly Invitae), Labcorp
Classification: Uncertain significance. Last evaluated: 2022-01-02. Review status: criteria provided, single submitter. Criteria: Invitae Variant Classification Sherloc (09022015). Collection method: clinical testing. Allele origin: germline.
Comment: In summary, the available evidence is currently insufficient to determine the role of this variant in disease. Therefore, it has been classified as a Variant of Uncertain Significance. Algorithms developed to predict the effect of missense changes on protein structure and function are either unavailable or do not agree on the potential impact of this missense change (SIFT: "Deleterious"; PolyPhen-2: "Probably Damaging"; Align-GVGD: "Class C0"). This variant has not been reported in the literature in individuals affected with ISCU-related conditions. This variant is not present in population databases (gnomAD no frequency). This sequence change replaces lysine, which is basic and polar, with glutamic acid, which is acidic and polar, at codon 110 of the ISCU protein (p.Lys110Glu).

NM_213595.4(ISCU):c.328A>G (p.Lys110Glu)

Gene: ISCU (iron-sulfur cluster assembly enzyme; plus strand). Cytogenetic location: 12q23.3.
Variant type: single nucleotide variant.
Coding change: c.328A>G on transcript NM_213595.4 (MANE Select); coding-DNA position 328, A replaced by G.
Protein change: p.Lys110Glu; replaces lysine 110 with glutamic acid.
Molecular consequence: missense variant. On other transcripts: non-coding transcript variant (1).
Genome position (GRCh38, 1-based): chr12:108,565,420, A>G. VCF-style: chr12-108565420-A-G. GRCh37 (hg19) VCF-style: chr12-108959196-A-G.
Other names: c.328A>G, p.Lys110Glu (NM_001301140.1, NM_001301141.1, NM_001320042.1); c.253A>G, p.Lys85Glu (NM_014301.4); short protein forms K85E, K110E.
Identifiers: ClinVar variation 2069576 (VCV002069576.4), dbSNP rs1565875446, ClinGen allele CA386431789.